The following is an entry in ClinVar:

ClinVar aggregate classification (germline): Uncertain significance. Review status: criteria provided, multiple submitters, no conflicts (2 of 4 stars). 5 submissions from 5 submitters: Uncertain significance (5). Last evaluated 2026-05-11.

Conditions:
ALDOB-related disorder. Also called: ALDOB-related condition.
Inborn genetic diseases. Identifiers: MedGen C0950123, MeSH D030342.
Hereditary fructosuria. Also called: Hereditary fructose intolerance; Fructose intolerance; ALDOB DEFICIENCY; ALDOLASE B DEFICIENCY; FRUCTOSE-1,6-BISPHOSPHATE ALDOLASE B DEFICIENCY; FRUCTOSE-1-PHOSPHATE ALDOLASE DEFICIENCY. Identifiers: Orphanet 469, MedGen C0016751, MONDO:0009249, OMIM 229600, HP:0005973. Disease mechanism: loss of function.

Allele frequency attached by ClinVar (database versions not stated): ExAC 0.00010; TOPMed 0.00010; gnomAD 0.00011; gnomAD exomes 0.00011.

Submissions (5):

PreventionGenetics, part of Exact Sciences
Classification: Uncertain significance for ALDOB-related condition. Last evaluated: 2026-05-11. Review status: criteria provided, single submitter. Criteria: ACMG Guidelines, 2015. Collection method: clinical testing. Allele origin: germline.
Comment: The ALDOB c.166C>T variant is predicted to result in the amino acid substitution p.Arg56Cys. To our knowledge, this variant has not been reported in the literature. This variant is reported in 0.017% of alleles in individuals of European (Non-Finnish) descent in gnomAD. At this time, the clinical significance of this variant is uncertain due to the absence of conclusive functional and genetic evidence.

Ambry Genetics
Classification: Uncertain significance for Inborn genetic diseases. Last evaluated: 2025-08-25. Review status: criteria provided, single submitter. Criteria: Ambry Variant Classification Scheme 2023. Collection method: clinical testing. Allele origin: germline.

Labcorp Genetics (formerly Invitae), Labcorp
Classification: Uncertain significance for Hereditary fructosuria. Last evaluated: 2025-01-29. Review status: criteria provided, single submitter. Criteria: Invitae Variant Classification Sherloc (09022015). Collection method: clinical testing. Allele origin: germline.
Comment: This sequence change replaces arginine, which is basic and polar, with cysteine, which is neutral and slightly polar, at codon 56 of the ALDOB protein (p.Arg56Cys). This variant is present in population databases (rs201397971, gnomAD 0.02%). This variant has not been reported in the literature in individuals affected with ALDOB-related conditions. ClinVar contains an entry for this variant (Variation ID: 913598). An algorithm developed to predict the effect of missense changes on protein structure and function (PolyPhen-2) suggests that this variant is likely to be disruptive. In summary, the available evidence is currently insufficient to determine the role of this variant in disease. Therefore, it has been classified as a Variant of Uncertain Significance.

Fulgent Genetics
Classification: Uncertain significance for Hereditary fructosuria. Last evaluated: 2022-03-30. Review status: criteria provided, single submitter. Criteria: ACMG Guidelines, 2015. Collection method: clinical testing. Allele origin: unknown.

Illumina Laboratory Services, Illumina
Classification: Uncertain significance for Hereditary fructosuria. Last evaluated: 2018-01-13. Review status: criteria provided, single submitter. Criteria: ICSL Variant Classification Criteria 13 December 2019. Collection method: clinical testing. Allele origin: germline.

NM_000035.4(ALDOB):c.166C>T (p.Arg56Cys)

Gene: ALDOB (aldolase, fructose-bisphosphate B; minus strand). Cytogenetic location: 9q31.1.
Variant type: single nucleotide variant.
Coding change: c.166C>T on transcript NM_000035.4 (MANE Select); coding-DNA position 166, C replaced by T.
Protein change: p.Arg56Cys; replaces arginine 56 with cysteine.
Molecular consequence: missense variant.
Genome position (GRCh38, 1-based): chr9:101,429,913, G>A on the plus strand (C>T on the coding strand, the complement: ALDOB is on the minus strand). VCF-style: chr9-101429913-G-A. GRCh37 (hg19) VCF-style: chr9-104192195-G-A.
Other names: short protein forms R56C.
Identifiers: ClinVar variation 913598 (VCV000913598.11), dbSNP rs201397971, ClinGen allele CA5161711.
Genomic context (GRCh38, chr9:101,429,913, plus strand): 5'-CCCCGATGCTCTGGTTGATGGAACTGTCCACAGAGAAGAGGATTTCTCGGAACTGCCGGC[G>A]GTTCTCTTCAGTGTTTTCCACCTTGATCCTCTGCAGGCGGTTCCCCATGGTACCTATGGT-3'
Protein context (NP_000026.2, residues 46-66): RIKVENTEEN[Arg56Cys]RQFREILFSV